The following is an entry in ClinVar:

ClinVar aggregate classification (germline): Likely pathogenic (1 of 4 stars; one submission).

Conditions:
Breast-ovarian cancer, familial, susceptibility to, 4. Identifiers: Orphanet 145, MedGen C3280345, MONDO:0013669, OMIM 614291.

Submission:

Labcorp Genetics (formerly Invitae), Labcorp
Classification: Likely pathogenic for Breast-ovarian cancer, familial, susceptibility to, 4. Last evaluated: 2017-01-16. Review status: criteria provided, single submitter. Criteria: Invitae Variant Classification Sherloc (09022015). Collection method: clinical testing. Allele origin: germline.
Comment: This variant is a gross deletion of the genomic region encompassing exons 9-10 of the RAD51D gene. The 5' boundary is likely confined to intron 8. The 3' end of this event is unknown as it extends through the termination codon beyond the assayed region for this gene and may encompass additional genes. While this deletion is not anticipated to result in nonsense mediated decay, it is expected to create a truncated RAD51D protein. While deletion of exons 9 and 10 has not been reported in the literature, this gross deletion was found to segregate in three family members with ovarian cancer and family history of ovarian and breast cancer (Invitae). This gross deletion is expected to partially remove the C-terminus of the ATPase domain of RAD51D protein (PMID: 14704354, 19327148, 21111057), which is required for interacting with RAD51C to assist DNA repair activity (PMID: 14704354, 19327148). However, functional studies have not been performed for this particular truncation. In summary, this is a gross deletion that is expected to result in a truncated RAD51D protein, and has been observed to segregate with disease in affected individuals. In the absence of direct functional data, it has been classified as Likely Pathogenic.

NC_000017.11:g.(?_35099792)_(35101365_?)del

Genes: RAD51L3-RFFL (RAD51L3-RFFL readthrough; minus strand), RAD51D (RAD51 paralog D; minus strand). Cytogenetic location: 17q12.
Variant type: Deletion.
Other names: c.739-?_*1161+?del (LRG_516t1).
Identifiers: ClinVar variation 239402 (VCV000239402.1).